The following is an entry in ClinVar:

NM_002087.4(GRN):c.2T>C (p.Met1Thr)

Gene: GRN (granulin precursor; plus strand). Cytogenetic location: 17q21.31.
Variant type: single nucleotide variant.
Coding change: c.2T>C on transcript NM_002087.4 (MANE Select); coding-DNA position 2, T replaced by C.
Protein change: p.Met1Thr; changes the start codon (methionine 1).
Molecular consequence: missense variant, initiator codon variant.
Genome position (GRCh38, 1-based): chr17:44,349,166, T>C. VCF-style: chr17-44349166-T-C. GRCh37 (hg19) VCF-style: chr17-42426534-T-C.
Other names: short protein forms M1T.
Identifiers: ClinVar variation 16008 (VCV000016008.7), dbSNP rs63751006, ClinGen allele CA225193.

ClinVar aggregate classification (germline): Pathogenic. Review status: criteria provided, single submitter (1 of 4 stars). 3 submissions from 3 submitters: Pathogenic (1). 2 of the submissions do not count toward it. Last evaluated 2023-02-22.

Conditions:
GRN-related frontotemporal lobar degeneration with Tdp43 inclusions (FTD2). Also called: GRN Frontotemporal Dementia; FRONTOTEMPORAL DEMENTIA WITH TDP43 INCLUSIONS, GRN-RELATED; DEMENTIA, HEREDITARY DYSPHASIC DISINHIBITION; FRONTOTEMPORAL LOBAR DEGENERATION WITH UBIQUITIN-POSITIVE INCLUSIONS; FTLD-TDP, GRN-RELATED. Identifiers: Orphanet 100070, Orphanet 282, MedGen C1843792, MONDO:0011842, OMIM 607485. Disease mechanism: loss of function.
Neuronal ceroid lipofuscinosis 11. Also called: GRN-Related Neuronal Ceroid-Lipofuscinosis. Identifiers: Orphanet 314629, Orphanet 79262, MedGen C3539123, MONDO:0013866, OMIM 614706.

Allele frequency attached by ClinVar (database versions not stated): gnomAD exomes below 0.00001 and 0.00001; ExAC 0.00001.

Submissions (3):

Labcorp Genetics (formerly Invitae), Labcorp
Classification: Pathogenic for Neuronal ceroid lipofuscinosis 11; GRN-related frontotemporal lobar degeneration with Tdp43 inclusions. Last evaluated: 2023-02-22. Review status: criteria provided, single submitter. Criteria: Invitae Variant Classification Sherloc (09022015). Collection method: clinical testing. Allele origin: germline.
Comment: Disruption of the initiator codon has been observed in individuals with frontotemporal dementia (PMID: 16862115, 16862116, 18245784, 21482928, 23609919, 28543767). For these reasons, this variant has been classified as Pathogenic. Experimental studies have shown that disruption of the initiator codon affects GRN function (PMID: 16862116). Algorithms developed to predict the effect of variants on protein structure and function are not available or were not evaluated for this variant. ClinVar contains an entry for this variant (Variation ID: 16008). This variant is present in population databases (rs63751006, gnomAD 0.003%). This sequence change affects the initiator methionine of the GRN mRNA. The next in-frame methionine is located at codon 142.

OMIM
Classification: Pathogenic for FRONTOTEMPORAL DEMENTIA 2. Last evaluated: 2006-08-24. Review status: no assertion criteria provided. Collection method: literature only. Allele origin: germline. Not counted in ClinVar's aggregate classification.

VIB  Department of Molecular Genetics, University of Antwerp
No classification provided. Review status: no classification provided. Collection method: not provided. Allele origin: unknown. Not counted in ClinVar's aggregate classification.

Literature cited by the submitters: PubMed 16862115 (cited by Labcorp Genetics (formerly Invitae), Labcorp and OMIM); PubMed 16862116 (cited by Labcorp Genetics (formerly Invitae), Labcorp and OMIM); PubMed 18245784 (cited by Labcorp Genetics (formerly Invitae), Labcorp); PubMed 21482928 (cited by Labcorp Genetics (formerly Invitae), Labcorp); PubMed 23609919 (cited by Labcorp Genetics (formerly Invitae), Labcorp); PubMed 28543767 (cited by Labcorp Genetics (formerly Invitae), Labcorp).